The following is an entry in ClinVar:

ClinVar aggregate classification (germline): Uncertain significance (1 of 4 stars; one submission).

Conditions:
Nephronophthisis. Also called: Juvenile Nephronophthisis. Identifiers: Orphanet 655, MedGen C0687120, MONDO:0019005, HP:0000090.

Submission:

Labcorp Genetics (formerly Invitae), Labcorp
Classification: Uncertain significance for Nephronophthisis. Last evaluated: 2021-06-24. Review status: criteria provided, single submitter. Criteria: Invitae Variant Classification Sherloc (09022015). Collection method: clinical testing. Allele origin: germline.
Comment: This sequence change replaces lysine with glutamic acid at codon 639 of the NPHP1 protein (p.Lys639Glu). The lysine residue is moderately conserved and there is a small physicochemical difference between lysine and glutamic acid. This variant is not present in population databases (ExAC no frequency). This variant has not been reported in the literature in individuals with NPHP1-related conditions. Algorithms developed to predict the effect of missense changes on protein structure and function are either unavailable or do not agree on the potential impact of this missense change (SIFT: "Tolerated"; PolyPhen-2: "Possibly Damaging"; Align-GVGD: "Class C0"). In summary, the available evidence is currently insufficient to determine the role of this variant in disease. Therefore, it has been classified as a Variant of Uncertain Significance.

NM_001128178.3(NPHP1):c.1747A>G (p.Lys583Glu)

Gene: NPHP1 (nephrocystin 1; minus strand). Cytogenetic location: 2q13.
Variant type: single nucleotide variant.
Coding change: c.1747A>G on transcript NM_001128178.3 (MANE Select); coding-DNA position 1747, A replaced by G.
Protein change: p.Lys583Glu; replaces lysine 583 with glutamic acid.
Molecular consequence: missense variant.
Genome position (GRCh38, 1-based): chr2:110,125,651, T>C on the plus strand (A>G on the coding strand, the complement: NPHP1 is on the minus strand). VCF-style: chr2-110125651-T-C. GRCh37 (hg19) VCF-style: chr2-110883228-T-C.
Other names: c.1915A>G, p.Lys639Glu (NM_000272.5); c.1558A>G, p.Lys520Glu (NM_001128179.3); c.1744A>G, p.Lys582Glu (NM_001374256.1); c.1747A>G, p.Lys583Glu (NM_001374257.1); c.1912A>G, p.Lys638Glu (NM_207181.4); short protein forms K582E, K638E, K583E, K520E, K639E.
Identifiers: ClinVar variation 1402781 (VCV001402781.8), dbSNP rs1188653340, ClinGen allele CA348086680.